The following is an entry in ClinVar:

NM_000465.4(BARD1):c.2279C>G (p.Ser760Trp)

Gene: BARD1 (BRCA1 associated RING domain 1; minus strand). Cytogenetic location: 2q35.
Variant type: single nucleotide variant.
Coding change: c.2279C>G on transcript NM_000465.4 (MANE Select); coding-DNA position 2279, C replaced by G.
Protein change: p.Ser760Trp; replaces serine 760 with tryptophan.
Molecular consequence: missense variant. On other transcripts: non-coding transcript variant (3).
Genome position (GRCh38, 1-based): chr2:214,728,731, G>C on the plus strand (C>G on the coding strand, the complement: BARD1 is on the minus strand). VCF-style: chr2-214728731-G-C. GRCh37 (hg19) VCF-style: chr2-215593455-G-C.
Other names: p.S760W:TCG>TGG; c.2222C>G, p.Ser741Trp (NM_001282543.2); c.926C>G, p.Ser309Trp (NM_001282545.2); c.869C>G, p.Ser290Trp (NM_001282548.2); c.740C>G, p.Ser247Trp (NM_001282549.2); short protein forms S760W, S309W, S247W, S290W, S741W.
Identifiers: ClinVar variation 182056 (VCV000182056.4), dbSNP rs730881425, ClinGen allele CA298484.

ClinVar aggregate classification (germline): Uncertain significance. Review status: criteria provided, multiple submitters, no conflicts (2 of 4 stars). 2 submissions from 2 submitters: Uncertain significance (2). Last evaluated 2021-01-11.

Conditions:
Hereditary cancer-predisposing syndrome. Also called: Tumor predisposition; Hereditary Cancer Syndrome; Hereditary neoplastic syndrome; Neoplastic Syndromes, Hereditary. Identifiers: Orphanet 140162, MedGen C0027672, MeSH D009386, MONDO:0015356.

Submissions (2):

Color Diagnostics, LLC DBA Color Health
Classification: Uncertain significance for Hereditary cancer-predisposing syndrome. Last evaluated: 2021-01-11. Review status: criteria provided, single submitter. Criteria: ACMG Guidelines, 2015. Collection method: clinical testing. Allele origin: germline.
Comment: This missense variant replaces serine with tryptophan at codon 760 of the BARD1 protein. Computational prediction suggests that this variant may not impact protein structure and function (internally defined REVEL score threshold <= 0.5, PMID: 27666373). To our knowledge, functional studies have not been reported for this variant. This variant has not been reported in individuals affected with hereditary cancer in the literature. This variant has not been identified in the general population by the Genome Aggregation Database (gnomAD). The available evidence is insufficient to determine the role of this variant in disease conclusively. Therefore, this variant is classified as a Variant of Uncertain Significance.

GeneDx
Classification: Uncertain significance. Last evaluated: 2014-06-16. Review status: criteria provided, single submitter. Criteria: GeneDx Variant Classification (06012015). Collection method: clinical testing. Allele origin: germline. Affected: yes.
Comment: This variant is denoted BARD1 c.2279C>G at the cDNA level, p.Ser760Trp (S760W) at the protein level, and results in the change of a Serine to a Tryptophan (TCG>TGG). This variant has not, to our knowledge, been published in the literature as pathogenic or benign. BARD1 Ser760Trp was not observed in approximately 6,500 individuals of European and African American ancestry in the NHLBI Exome Sequencing Project, indicating it is not a common benign variant in these populations. Since Serine and Tryptophan differ in polarity, charge, size or other properties, this is considered a non-conservative amino acid substitution. BARD1 Ser760Trp occurs at a position that is highly conserved across species and is located in the in BRCT2 domain (UniProt). In silico analyses predict that this variant is probably damaging to protein structure and function. Based on currently available information, it is unclear whether BARD1 Ser760Trp is pathogenic or benign. We consider it to be a variant of uncertain significance.